The following is an entry in ClinVar:

NM_000169.3(GLA):c.782G>T (p.Gly261Val)

Genes: GLA (galactosidase alpha; minus strand), RPL36A-HNRNPH2 (RPL36A-HNRNPH2 readthrough; plus strand). Cytogenetic location: Xq22.1.
Variant type: single nucleotide variant.
Coding change: c.782G>T on transcript NM_000169.3 (MANE Select); coding-DNA position 782, G replaced by T.
Protein change: p.Gly261Val; replaces glycine 261 with valine.
Molecular consequence: missense variant. On other transcripts: non-coding transcript variant (3), intron variant (2).
Genome position (GRCh38, 1-based): chrX:101,398,804, C>A on the plus strand (G>T on the coding strand, the complement: GLA is on the minus strand). VCF-style: chrX-101398804-C-A. GRCh37 (hg19) VCF-style: chrX-100653792-C-A.
Other names: c.905G>T, p.Gly302Val (NM_001406747.1); c.782G>T, p.Gly261Val (NM_001406748.1); c.300+3347C>A (NM_001199973.2); c.177+6982C>A (NM_001199974.2); short protein forms G261V, G302V.
Identifiers: ClinVar variation 222387 (VCV000222387.10), dbSNP rs869312401, ClinGen allele CA352632.

ClinVar aggregate classification (germline): Pathogenic/Likely pathogenic. Review status: criteria provided, multiple submitters, no conflicts (2 of 4 stars). 5 submissions from 5 submitters: Pathogenic (3); Likely pathogenic (2). Last evaluated 2026-09-08.

Conditions:
Fabry disease. Also called: GLA DEFICIENCY; HEREDITARY DYSTOPIC LIPIDOSIS; Fabry's disease; Angiokeratoma corporis diffusum; Ceramide trihexosidosis; ALPHA-GALACTOSIDASE A DEFICIENCY. Identifiers: Orphanet 324, MedGen C0002986, MONDO:0010526, OMIM 301500, HP:0001071. Disease mechanism: loss of function, Fabry disease is due to inactivating mutations in the X-linked GLA gene resulting in deficiency of the enzyme Alpha Galactosidase-A..
Cardiovascular phenotype. Identifiers: MedGen CN230736.

Submissions (5):

Genomenon, Inc
Classification: Pathogenic for Fabry disease. Last evaluated: 2026-09-08. Review status: criteria provided, single submitter. Criteria: Genomenon Sequence Variant Interpretation Standards - Updated. Collection method: curation. Allele origin: germline. Affected: yes.
Comment: GLA p.Gly261Val (c.782G>T) is a missense variant that changes the amino acid at codon 261 from Glycine to Valine. This variant has been observed in at least one proband with clinical features consistent with Fabry disease (PMID:28988177;38002959;27629047;29491734;25750198;31770509;37480128). The variant was found to segregate with disease in at least one affected family (PMID:38002959;29491734). At least one functional study has demonstrated a substantial alteration in protein function relative to the wild-type (PMID:32023956;23935525;27657681). This variant is located in a mutational hotspot and/or important functional domain. It is absent or not present at a significant frequency in gnomAD. In silico models predict that this variant is possibly or probably damaging. In conclusion, we classify GLA p.Gly261Val (c.782G>T) as a pathogenic variant.

Molecular Diagnostic Laboratory for Inherited Cardiovascular Disease, Montreal Heart Institute
Classification: Pathogenic for Cardiovascular phenotype. Last evaluated: 2026-02-11. Review status: criteria provided, single submitter. Criteria: ACMG Guidelines, 2015. Collection method: clinical testing. Allele origin: germline. Affected: yes.
Comment: PS3_supp, PS4_mod, PM2, PM5, PP1_strong, PP2, PP4

Genome-Nilou Lab
Classification: Likely pathogenic for Fabry disease. Last evaluated: 2021-07-15. Review status: criteria provided, single submitter. Criteria: ACMG Guidelines, 2015. Collection method: clinical testing. Allele origin: germline. Affected: no.

Women's Health and Genetics/Laboratory Corporation of America, LabCorp
Classification: Pathogenic for Fabry disease. Last evaluated: 2018-12-28. Review status: criteria provided, single submitter. Criteria: LabCorp Variant Classification Summary - May 2015. Collection method: clinical testing. Allele origin: germline.
Comment: Variant summary: GLA c.782G>T (p.Gly261Val) results in a non-conservative amino acid change in the encoded protein sequence. Four of five in-silico tools predict a damaging effect of the variant on protein function. The variant was absent in 178774 control chromosomes (gnomAD). c.782G>T has been reported in the literature in multiple individuals affected with Fabry Disease and hypertrophic cardiomyopathy (Wu_2018, Koulousios_2017, Walsh_2017, Alfadhel_2016, Lukas_2013). These data indicate that the variant is very likely to be associated with disease. Experimental evidence evaluating an impact on protein function showed that the variant resulted in an in vitro enzyme activity which was <10% of the wild-type and exhibited lyso-Gb3 levels were above the pathological cut-off (Lukas_2013). Based on the evidence outlined above, the variant was classified as pathogenic.

CeMIA
Classification: Likely pathogenic for Fabry disease. Review status: criteria provided, single submitter. Criteria: ACMG Guidelines, 2015. Collection method: clinical testing. Allele origin: germline. Affected: yes. Observed: 4 variant alleles.
Comment: The c.782G>T (p.Gly261Val ) variant, located in exon 5 of the GLA gene, has been previously reported in association with Fabry didease in the literature (PMID: 23935525, 27532257, 27629047, 28988177, 29491734). Bioinformatic analysis by PolyPhen2 algorithm predicted this mutation as probably damaging. It was not detected amongst the 31360 individuals of the Genome Aggregation Database (gnomAD), indicating that it is not a common variant. Missense variants in the same residue have been previously reported in association with Fabry disease (PMID: 9105656, 15712228). Taking all the above into account and according to ACMG Guidelines (Criteria: PM1, PM2, PM5, PP2, PP3, PP4, PP5) the variant is considered likely pathogenic.

Literature cited by the submitters: PubMed 28988177 (cited by 3 submitters); PubMed 38002959 (cited by Genomenon, Inc); PubMed 27629047 (cited by Genomenon, Inc and Women's Health and Genetics/Laboratory Corporation of America, LabCorp); PubMed 29491734 (cited by Genomenon, Inc and Women's Health and Genetics/Laboratory Corporation of America, LabCorp); PubMed 25750198 (cited by Genomenon, Inc); PubMed 31770509 (cited by Genomenon, Inc); PubMed 37480128 (cited by Genomenon, Inc); PubMed 32023956 (cited by Genomenon, Inc); PubMed 23935525 (cited by Genomenon, Inc and Women's Health and Genetics/Laboratory Corporation of America, LabCorp); PubMed 27657681 (cited by Genomenon, Inc); PubMed 27532257 (cited by Women's Health and Genetics/Laboratory Corporation of America, LabCorp).